The following is an entry in ClinVar:

NC_000010.10:g.(?_79737218)_(79745937_?)del

Gene: POLR3A (RNA polymerase III subunit A; minus strand). Cytogenetic location: 10q22.3.
Variant type: Deletion.
Identifiers: ClinVar variation 2425681 (VCV002425681.4).

ClinVar aggregate classification (germline): Pathogenic (1 of 4 stars; one submission).

Submission:

Labcorp Genetics (formerly Invitae), Labcorp
Classification: Pathogenic. Last evaluated: 2021-12-02. Review status: criteria provided, single submitter. Criteria: Invitae Variant Classification Sherloc (09022015). Collection method: clinical testing. Allele origin: germline.
Comment: For these reasons, this variant has been classified as Pathogenic. This variant disrupts a region of the POLR3A protein in which other variant(s) (p.Arg1005Cys) have been determined to be pathogenic (PMID: 21855841, 22036171, 23355746). This suggests that this is a clinically significant region of the protein, and that variants that disrupt it are likely to be disease-causing. This variant has not been reported in the literature in individuals affected with POLR3A-related conditions. This variant is a gross deletion of the genomic region encompassing exon(s) 22-31 of the POLR3A gene, which includes the termination codon. This deletion extends beyond the assayed region for this gene and therefore may encompass additional genes. While this deletion is not anticipated to lead to nonsense mediated decay, it is expected to alter mRNA translation or result in a truncated protein product.

Literature cited by the submitters: PubMed 21855841; PubMed 22036171; PubMed 23355746.